The following is an entry in ClinVar:

NM_024529.5(CDC73):c.1006G>T (p.Ala336Ser)

Gene: CDC73 (cell division cycle 73; plus strand). Cytogenetic location: 1q31.2.
Variant type: single nucleotide variant.
Coding change: c.1006G>T on transcript NM_024529.5 (MANE Select); coding-DNA position 1006, G replaced by T.
Protein change: p.Ala336Ser; replaces alanine 336 with serine.
Molecular consequence: missense variant.
Genome position (GRCh38, 1-based): chr1:193,203,828, G>T. VCF-style: chr1-193203828-G-T. GRCh37 (hg19) VCF-style: chr1-193172958-G-T.
Other names: short protein forms A336S.
Identifiers: ClinVar variation 1691934 (VCV001691934.6), dbSNP rs2103178083, ClinGen allele CA344076145.

ClinVar aggregate classification (germline): Uncertain significance. Review status: criteria provided, multiple submitters, no conflicts (2 of 4 stars). 3 submissions from 3 submitters: Uncertain significance (3). Last evaluated 2025-04-30.

Conditions:
Hereditary cancer-predisposing syndrome. Also called: Hereditary Cancer Syndrome; Hereditary neoplastic syndrome; Neoplastic Syndromes, Hereditary; Tumor predisposition. Identifiers: Orphanet 140162, MedGen C0027672, MeSH D009386, MONDO:0015356.
Parathyroid carcinoma (PRTC). Also called: CDC73-Related Parathyroid Carcinoma; Parathyroid gland carcinoma. Identifiers: Orphanet 143, MedGen C0687150, MONDO:0012004, OMIM 608266, HP:0006780.

Submissions (3):

Labcorp Genetics (formerly Invitae), Labcorp
Classification: Uncertain significance for Parathyroid carcinoma. Last evaluated: 2025-04-30. Review status: criteria provided, single submitter. Criteria: Invitae Variant Classification Sherloc (09022015). Collection method: clinical testing. Allele origin: germline.
Comment: This sequence change replaces alanine, which is neutral and non-polar, with serine, which is neutral and polar, at codon 336 of the CDC73 protein (p.Ala336Ser). This variant is not present in population databases (gnomAD no frequency). This variant has not been reported in the literature in individuals affected with CDC73-related conditions. ClinVar contains an entry for this variant (Variation ID: 1691934). Invitae Evidence Modeling of protein sequence and biophysical properties (such as structural, functional, and spatial information, amino acid conservation, physicochemical variation, residue mobility, and thermodynamic stability) indicates that this missense variant is not expected to disrupt CDC73 protein function with a negative predictive value of 80%. In summary, the available evidence is currently insufficient to determine the role of this variant in disease. Therefore, it has been classified as a Variant of Uncertain Significance.

Ambry Genetics
Classification: Uncertain significance for Hereditary cancer-predisposing syndrome. Last evaluated: 2023-06-09. Review status: criteria provided, single submitter. Criteria: Ambry Variant Classification Scheme 2023. Collection method: clinical testing. Allele origin: germline.
Comment: The p.A336S variant (also known as c.1006G>T), located in coding exon 11 of the CDC73 gene, results from a G to T substitution at nucleotide position 1006. The alanine at codon 336 is replaced by serine, an amino acid with similar properties. This amino acid position is conserved. In addition, the in silico prediction for this alteration is inconclusive. Since supporting evidence is limited at this time, the clinical significance of this alteration remains unclear.

Sema4
Classification: Uncertain significance for Hereditary cancer-predisposing syndrome. Last evaluated: 2021-04-08. Review status: criteria provided, single submitter. Criteria: Sema4 Curation Guidelines. Collection method: curation. Allele origin: germline.
Comment: The CDC73 c.1006G>T (p.A336S) variant has not been reported in the literature to our knowledge. It was not observed in the large and broad cohorts of the Genome Aggregation Database. The variant has not been reported in ClinVar. Computational analyses and evolutionary conservation data do not provide strong support for or against an impact to the protein, however these predictions have not been confirmed by published functional studies. The evidence is insufficient to meet ACMG/AMP criteria for classifying the variant as benign or pathogenic. Thus, the clinical significance of this variant is currently uncertain.